The following is an entry in ClinVar:

ClinVar aggregate classification (germline): Uncertain significance (1 of 4 stars; one submission).

Submission:

Labcorp Genetics (formerly Invitae), Labcorp
Classification: Uncertain significance. Last evaluated: 2024-10-29. Review status: criteria provided, single submitter. Criteria: Invitae Variant Classification Sherloc (09022015). Collection method: clinical testing. Allele origin: germline.
Comment: This sequence change replaces glutamine, which is neutral and polar, with arginine, which is basic and polar, at codon 407 of the AGBL5 protein (p.Gln407Arg). This variant is not present in population databases (gnomAD no frequency). This variant has not been reported in the literature in individuals affected with AGBL5-related conditions. ClinVar contains an entry for this variant (Variation ID: 1373737). An algorithm developed to predict the effect of missense changes on protein structure and function (PolyPhen-2) suggests that this variant is likely to be tolerated. In summary, the available evidence is currently insufficient to determine the role of this variant in disease. Therefore, it has been classified as a Variant of Uncertain Significance.

NM_021831.6(AGBL5):c.1220A>G (p.Gln407Arg)

Gene: AGBL5 (AGBL carboxypeptidase 5; plus strand). Cytogenetic location: 2p23.3.
Variant type: single nucleotide variant.
Coding change: c.1220A>G on transcript NM_021831.6 (MANE Select); coding-DNA position 1220, A replaced by G.
Protein change: p.Gln407Arg; replaces glutamine 407 with arginine.
Molecular consequence: missense variant. On other transcripts: non-coding transcript variant (2).
Genome position (GRCh38, 1-based): chr2:27,055,993, A>G. VCF-style: chr2-27055993-A-G. GRCh37 (hg19) VCF-style: chr2-27278861-A-G.
Other names: c.1220A>G, p.Gln407Arg (NM_001035507.3); short protein forms Q407R.
Identifiers: ClinVar variation 1373737 (VCV001373737.6), dbSNP rs2148276739, ClinGen allele CA346180086.